The following is an entry in ClinVar:

NM_001163435.3(TBCK):c.186_189dup (p.His64fs)

Gene: TBCK (TBC1 domain containing kinase; minus strand). Cytogenetic location: 4q24.
Variant type: Duplication.
Coding change: c.186_189dup on transcript NM_001163435.3 (MANE Select); coding-DNA positions 186 to 189, 4 bases duplicated (AAAG; older notation c.186_189dupAAAG).
Protein change: p.His64fs; shifts the reading frame from histidine 64.
Molecular consequence: frameshift variant. On other transcripts: 5 prime UTR variant (1).
Genome position (GRCh38, 1-based): chr4:106,308,772-106,308,775, CTTT duplicated on the plus strand (AAAG on the coding strand, the reverse complement: TBCK is on the minus strand); duplicating any 4 consecutive bases within chr4:106,308,772-106,308,776 gives the same sequence; the c. name uses the placement nearest the transcript's 3' end. VCF-style (leftmost placement, unchanged base first): chr4-106308771-G-GCTTT. GRCh37 (hg19) VCF-style: chr4-107229928-G-GCTTT.
Other names: NM_001163435.3(TBCK):c.186_189dup; p.His64fs; c.186_189dup, p.His64fs (NM_001163436.4, NM_001163437.3, NM_033115.5); c.-432_-429dup (NM_001290768.2); short protein forms H64fs.
Identifiers: ClinVar variation 1912543 (VCV001912543.6), dbSNP rs2479212710, ClinGen allele CA2578162512.
Genomic context (GRCh38, chr4:106,308,771, plus strand): 5'-ATAACTTAGGGTAACAAAGTAGAGAACATAAATAGGAAAAAAAAGAAAATAACTTACCAT[G>GCTTT]CTTTCCCCTAGAAATATCCACATACTGGCAGAGTCTGGGATGGGTGATGGTTTTAAGGAT-3'

ClinVar aggregate classification (germline): Pathogenic/Likely pathogenic. Review status: criteria provided, multiple submitters, no conflicts (2 of 4 stars). 2 submissions from 2 submitters: Pathogenic (1); Likely pathogenic (1). Last evaluated 2025-03-31.

Conditions:
Hypotonia, infantile, with psychomotor retardation and characteristic facies 3 (IHPRF3). Also called: TBCK-Related Neurodevelopmental Disorder. Identifiers: Orphanet 488632, MedGen C5567480, MONDO:0014823, OMIM 616900.

Submissions (2):

Labcorp Genetics (formerly Invitae), Labcorp
Classification: Pathogenic. Last evaluated: 2025-03-31. Review status: criteria provided, single submitter. Criteria: Invitae Variant Classification Sherloc (09022015). Collection method: clinical testing. Allele origin: germline.
Comment: This sequence change creates a premature translational stop signal (p.His64Lysfs*3) in the TBCK gene. It is expected to result in an absent or disrupted protein product. Loss-of-function variants in TBCK are known to be pathogenic (PMID: 27040692, 30103036). This variant is not present in population databases (gnomAD no frequency). This variant has not been reported in the literature in individuals affected with TBCK-related conditions. ClinVar contains an entry for this variant (Variation ID: 1912543). For these reasons, this variant has been classified as Pathogenic.

Broad Center for Mendelian Genomics, Broad Institute of MIT and Harvard
Classification: Likely pathogenic for Hypotonia, infantile, with psychomotor retardation and characteristic facies 3. Last evaluated: 2025-01-15. Review status: criteria provided, single submitter. Criteria: ACMG Guidelines, 2015. Collection method: curation. Allele origin: germline. Inheritance: Autosomal recessive inheritance.
Comment: The p.His64LysfsTer3 variant in TBCK has not been previously reported in the literature in individuals with TBCK-related intellectual disability syndrome, but has been identified in 0.0004% (5/1178128) of European (non-Finnish) chromosomes by the Genome Aggregation Database (gnomAD). Although this variant has been seen in the general population in a heterozygous state, its frequency is low enough to be consistent with a recessive carrier frequency. This variant has also been reported in ClinVar (Variation ID: 1912543) and has been interpreted as pathogenic by Invitae. This variant is predicted to cause a frameshift, which alters the protein's amino acid sequence beginning at position 64 and leads to a premature termination codon 3 amino acids downstream. This alteration is then predicted to lead to a truncated or absent protein. Loss of function of the TBCK gene is an established disease mechanism in autosomal recessive TBCK-related intellectual disability syndrome. In summary, although additional studies are required to fully establish its clinical significance, this variant is likely pathogenic for autosomal recessive TBCK-related intellectual disability syndrome. ACMG/AMP Criteria applied: PVS1, PM2_supporting (Richards 2015).

Literature cited by the submitters: PubMed 27040692 (cited by Labcorp Genetics (formerly Invitae), Labcorp); PubMed 30103036 (cited by Labcorp Genetics (formerly Invitae), Labcorp).